The following is an entry in ClinVar:

NM_003126.4(SPTA1):c.135G>A (p.Arg45=)

Gene: SPTA1 (spectrin alpha, erythrocytic 1; minus strand). Cytogenetic location: 1q23.1.
Variant type: single nucleotide variant.
Coding change: c.135G>A on transcript NM_003126.4 (MANE Select); coding-DNA position 135, G replaced by A.
Protein change: p.Arg45=; no amino-acid change (arginine 45 retained).
Molecular consequence: synonymous variant.
Genome position (GRCh38, 1-based): chr1:158,685,237, C>T on the plus strand (G>A on the coding strand, the complement: SPTA1 is on the minus strand). VCF-style: chr1-158685237-C-T. GRCh37 (hg19) VCF-style: chr1-158655027-C-T.
Identifiers: ClinVar variation 3778153 (VCV003778153.7).
Genomic context (GRCh38, chr1:158,685,237, plus strand): 5'-CAGATCATCTGCATCTCGCTTGAAAACTTGTAAGTGATAGGAATCCTCAAGCTTCTGACC[C>T]CTCTCAGCGACCCGCTCCTTGAAACTTTGATACCGAGTCAACACTTCCTGACGCCTCTCC-3'
Protein context (NP_003117.2, residues 35-55): YQSFKERVAE[Arg45=]GQKLEDSYHL

ClinVar aggregate classification (germline): Uncertain significance (1 of 4 stars; one submission).

Submission:

CeGaT Center for Human Genetics Tuebingen
Classification: Uncertain significance. Last evaluated: 2025-03-01. Review status: criteria provided, single submitter. Criteria: CeGaT Center For Human Genetics Tuebingen Variant Classification Criteria Version 2. Collection method: clinical testing. Allele origin: germline. Affected: yes. Observed: 1 variant allele.
Comment: SPTA1: PM2:Supporting, PP3